The following is an entry in ClinVar:

NM_000179.3(MSH6):c.3720_3721del (p.Cys1241fs)

Gene: MSH6 (mutS homolog 6; plus strand). Cytogenetic location: 2p16.3.
Variant type: Deletion.
Coding change: c.3720_3721del on transcript NM_000179.3 (MANE Select); coding-DNA positions 3720 to 3721, 2 bases deleted (AT; older notation c.3720_3721delAT).
Protein change: p.Cys1241fs; shifts the reading frame from cysteine 1241.
Molecular consequence: frameshift variant. On other transcripts: non-coding transcript variant (5).
Genome position (GRCh38, 1-based): chr2:47,806,277-47,806,278, AT deleted. VCF-style (leftmost placement, unchanged base first): chr2-47806276-AAT-A. GRCh37 (hg19) VCF-style: chr2-48033415-AAT-A.
Other names: c.3330_3331del, p.Cys1111fs (NM_001281492.2); c.2814_2815del, p.Cys939fs (NM_001281493.2, NM_001281494.2, NM_001406811.1 and 6 more transcripts); c.3816_3817del, p.Cys1273fs (NM_001406795.1, NM_001406802.1); c.3720_3721del, p.Cys1241fs (NM_001406796.1, NM_001406800.1, NM_001406808.1 and 1 more transcripts); c.3423_3424del, p.Cys1142fs (NM_001406797.1, NM_001406801.1, NM_001406805.1 and 10 more transcripts); c.3546_3547del, p.Cys1183fs (NM_001406798.1); c.3195_3196del, p.Cys1066fs (NM_001406799.1, NM_001406806.1, NM_001406807.1); c.2856_2857del, p.Cys953fs (NM_001406803.1); and 7 more; short protein forms C556fs, C953fs, C1066fs, C1243fs, C719fs, C1111fs, C1183fs, C1215fs.
Identifiers: ClinVar variation 2712493 (VCV002712493.3), dbSNP rs2530842827, ClinGen allele CA2697548071.

ClinVar aggregate classification (germline): Pathogenic (1 of 4 stars; one submission).

Conditions:
Hereditary nonpolyposis colorectal neoplasms. Identifiers: MedGen C0009405, MeSH D003123.

Submission:

Labcorp Genetics (formerly Invitae), Labcorp
Classification: Pathogenic for Hereditary nonpolyposis colorectal neoplasms. Last evaluated: 2023-06-12. Review status: criteria provided, single submitter. Criteria: Invitae Variant Classification Sherloc (09022015). Collection method: clinical testing. Allele origin: germline.
Comment: For these reasons, this variant has been classified as Pathogenic. This variant has not been reported in the literature in individuals affected with MSH6-related conditions. This variant is not present in population databases (gnomAD no frequency). This sequence change creates a premature translational stop signal (p.Cys1241Serfs*33) in the MSH6 gene. It is expected to result in an absent or disrupted protein product. Loss-of-function variants in MSH6 are known to be pathogenic (PMID: 18269114, 24362816).

Literature cited by the submitters: PubMed 18269114; PubMed 24362816.